The following is an entry in ClinVar:

ClinVar aggregate classification (germline): Uncertain significance (1 of 4 stars; one submission).

Conditions:
Hypertrophic cardiomyopathy. Also called: HYPERTROPHIC MYOCARDIOPATHY. Identifiers: Orphanet 217569, MedGen C0007194, MeSH D002312, MONDO:0005045, HP:0001639.

Submission:

Labcorp Genetics (formerly Invitae), Labcorp
Classification: Uncertain significance for Hypertrophic cardiomyopathy. Last evaluated: 2021-12-03. Review status: criteria provided, single submitter. Criteria: Invitae Variant Classification Sherloc (09022015). Collection method: clinical testing. Allele origin: germline.
Comment: In summary, the available evidence is currently insufficient to determine the role of this variant in disease. Therefore, it has been classified as a Variant of Uncertain Significance. Algorithms developed to predict the effect of missense changes on protein structure and function are either unavailable or do not agree on the potential impact of this missense change (SIFT: "Deleterious"; PolyPhen-2: "Probably Damaging"; Align-GVGD: "Class C0"). This variant has not been reported in the literature in individuals affected with MYH7-related conditions. This variant is not present in population databases (gnomAD no frequency). This sequence change replaces tyrosine, which is neutral and polar, with cysteine, which is neutral and slightly polar, at codon 103 of the MYH7 protein (p.Tyr103Cys).

NM_000257.4(MYH7):c.308A>G (p.Tyr103Cys)

Gene: MYH7 (myosin heavy chain 7; minus strand). Cytogenetic location: 14q11.2.
Variant type: single nucleotide variant.
Coding change: c.308A>G on transcript NM_000257.4 (MANE Select); coding-DNA position 308, A replaced by G.
Protein change: p.Tyr103Cys; replaces tyrosine 103 with cysteine.
Molecular consequence: missense variant.
Genome position (GRCh38, 1-based): chr14:23,433,121, T>C on the plus strand (A>G on the coding strand, the complement: MYH7 is on the minus strand). VCF-style: chr14-23433121-T-C. GRCh37 (hg19) VCF-style: chr14-23902330-T-C.
Other names: short protein forms Y103C.
Identifiers: ClinVar variation 1492357 (VCV001492357.6), dbSNP rs2138685516, ClinGen allele CA389053141.